The following is an entry in ClinVar:

NM_004698.4(PRPF3):c.1035+5C>T

Gene: PRPF3 (pre-mRNA processing factor 3; plus strand). Cytogenetic location: 1q21.2.
Variant type: single nucleotide variant.
Coding change: c.1035+5C>T on transcript NM_004698.4 (MANE Select); 5 bases into the intron after coding-DNA position 1035, C replaced by T.
Molecular consequence: intron variant.
Genome position (GRCh38, 1-based): chr1:150,335,246, C>T. VCF-style: chr1-150335246-C-T. GRCh37 (hg19) VCF-style: chr1-150307717-C-T.
Other names: c.630+5C>T (NM_001350529.1).
Identifiers: ClinVar variation 1409354 (VCV001409354.6), dbSNP rs1656839327, ClinGen allele CA2573130985.

ClinVar aggregate classification (germline): Uncertain significance (1 of 4 stars; one submission).

Submission:

Labcorp Genetics (formerly Invitae), Labcorp
Classification: Uncertain significance. Last evaluated: 2023-11-20. Review status: criteria provided, single submitter. Criteria: Invitae Variant Classification Sherloc (09022015). Collection method: clinical testing. Allele origin: germline.
Comment: This sequence change falls in intron 7 of the PRPF3 gene. It does not directly change the encoded amino acid sequence of the PRPF3 protein. It affects a nucleotide within the consensus splice site. This variant is not present in population databases (gnomAD no frequency). This variant has not been reported in the literature in individuals affected with PRPF3-related conditions. ClinVar contains an entry for this variant (Variation ID: 1409354). Variants that disrupt the consensus splice site are a relatively common cause of aberrant splicing (PMID: 17576681, 9536098). Algorithms developed to predict the effect of sequence changes on RNA splicing suggest that this variant is not likely to affect RNA splicing. In summary, the available evidence is currently insufficient to determine the role of this variant in disease. Therefore, it has been classified as a Variant of Uncertain Significance.

Literature cited by the submitters: PubMed 17576681; PubMed 9536098.